The following is an entry in ClinVar:

NM_007254.4(PNKP):c.1189-3C>T

Gene: PNKP (polynucleotide kinase 3'-phosphatase; minus strand). Cytogenetic location: 19q13.33.
Variant type: single nucleotide variant.
Coding change: c.1189-3C>T on transcript NM_007254.4 (MANE Select); 3 bases into the intron before coding-DNA position 1189, C replaced by T.
Molecular consequence: intron variant.
Genome position (GRCh38, 1-based): chr19:49,861,884, G>A on the plus strand (C>T on the coding strand, the complement: PNKP is on the minus strand). VCF-style: chr19-49861884-G-A. GRCh37 (hg19) VCF-style: chr19-50365141-G-A.
Identifiers: ClinVar variation 590163 (VCV000590163.5), dbSNP rs1568659329, ClinGen allele CA891843761.
Genomic context (GRCh38, chr19:49,861,884, plus strand): 5'-CTTGCTTCAGGGCTGTCTCACACGTGGTCACACAGCGCTGCCAGGAGCCTAGCGTGTCCT[G>A]GGGACACGAGAGGTCACAAACAGATCGGCAGACCCAGGGGGAGAGAAGACCCCGAGCGGG-3'

ClinVar aggregate classification (germline): Uncertain significance (1 of 4 stars; one submission).

Conditions:
Inborn genetic diseases. Identifiers: MedGen C0950123, MeSH D030342.

Allele frequency attached by ClinVar (database versions not stated): TOPMed below 0.00001.
gnomAD v4.1: 1 of 1,584,246 alleles (0.000063%); no homozygotes.

Submission:

Ambry Genetics
Classification: Uncertain significance for Inborn genetic diseases. Last evaluated: 2017-05-26. Review status: criteria provided, single submitter. Criteria: Ambry Variant Classification Scheme 2023. Collection method: clinical testing. Allele origin: germline.
Comment: The c.1189-3C>T intronic variant results from a C to T substitution 3 nucleotides upstream from coding exon 13 in the PNKP gene. This nucleotide position is highly conserved in available vertebrate species. Using two different splice site prediction tools, this alteration is predicted by ESEfinder to weaken the efficiency of the native splice acceptor site, but is not predicted to have a deleterious effect on this splice acceptor site by BDGP; however, direct evidence is unavailable. Since supporting evidence is limited at this time, the clinical significance of this alteration remains unclear.